The following is an entry in ClinVar:

ClinVar aggregate classification (germline): Likely benign. Review status: criteria provided, multiple submitters, no conflicts (2 of 4 stars). 6 submissions from 6 submitters: Likely benign (5). 1 of the submissions does not count toward it. Last evaluated 2025-12-16.

Conditions:
Cardiomyopathy (CMYO). Also called: Cardiomyopathies. Identifiers: Orphanet 167848, MedGen C0878544, MONDO:0004994, HP:0001638. Inheritance: Various modes of inheritance.
MYBPC3-related disorder. Also called: MYBPC3-related disorders; MYBPC3-related condition; MYBPC3-related disease.
Hypertrophic cardiomyopathy. Also called: HYPERTROPHIC MYOCARDIOPATHY. Identifiers: Orphanet 217569, MedGen C0007194, MeSH D002312, MONDO:0005045, HP:0001639.
Cardiovascular phenotype. Identifiers: MedGen CN230736.

Allele frequency attached by ClinVar (database versions not stated): ExAC 0.00001; gnomAD exomes 0.00001; gnomAD 0.00003; TOPMed 0.00003; 1000 Genomes Project 30x 0.00016; 1000 Genomes Project 0.00020.
gnomAD v4.1: 16 of 1,613,938 alleles (0.00099%); highest among the groups gnomAD compares: African/African-American, 0.008%; no homozygotes.

Submissions (6):

Labcorp Genetics (formerly Invitae), Labcorp
Classification: Likely benign for Hypertrophic cardiomyopathy. Last evaluated: 2025-12-16. Review status: criteria provided, single submitter. Criteria: Invitae Variant Classification Sherloc (09022015). Collection method: clinical testing. Allele origin: germline.

Ambry Genetics
Classification: Likely benign for Cardiovascular phenotype. Last evaluated: 2025-08-28. Review status: criteria provided, single submitter. Criteria: Ambry Variant Classification Scheme 2023. Collection method: clinical testing. Allele origin: germline.

All of Us Research Program, National Institutes of Health
Classification: Likely benign for Hypertrophic cardiomyopathy. Last evaluated: 2023-12-13. Review status: criteria provided, single submitter. Criteria: ACMG Guidelines, 2015. Collection method: clinical testing. Allele origin: germline. Inheritance: Autosomal dominant inheritance. Observed: 6 variant alleles, 6 heterozygotes.
Comment: This study involves interpretation of variants in research participants for the purpose of population health screening. Participant phenotype was not available at the time of variant classification. Additional details can be found in publication PMID: 35346344, PMCID: PMC8962531

CHEO Genetics Diagnostic Laboratory, Children's Hospital of Eastern Ontario
Classification: Likely benign for Cardiomyopathy. Last evaluated: 2022-02-22. Review status: criteria provided, single submitter. Criteria: ACMG Guidelines, 2015. Collection method: clinical testing. Allele origin: germline.

Color Diagnostics, LLC DBA Color Health
Classification: Likely benign for Cardiomyopathy. Last evaluated: 2019-01-13. Review status: criteria provided, single submitter. Criteria: ACMG Guidelines, 2015. Collection method: clinical testing. Allele origin: germline.

PreventionGenetics, part of Exact Sciences
Classification: Likely benign for MYBPC3-related condition. Last evaluated: 2024-05-10. Review status: no assertion criteria provided. Collection method: clinical testing. Allele origin: germline. Not counted in ClinVar's aggregate classification.
Comment: This variant is classified as likely benign based on ACMG/AMP sequence variant interpretation guidelines (Richards et al. 2015 PMID: 25741868, with internal and published modifications).

NM_000256.3(MYBPC3):c.2511C>T (p.Ile837=)

Gene: MYBPC3 (myosin binding protein C3; minus strand). Cytogenetic location: 11p11.2.
Variant type: single nucleotide variant.
Coding change: c.2511C>T on transcript NM_000256.3 (MANE Select); coding-DNA position 2511, C replaced by T.
Protein change: p.Ile837=; no amino-acid change (isoleucine 837 retained).
Molecular consequence: synonymous variant.
Genome position (GRCh38, 1-based): chr11:47,337,482, G>A on the plus strand (C>T on the coding strand, the complement: MYBPC3 is on the minus strand). VCF-style: chr11-47337482-G-A. GRCh37 (hg19) VCF-style: chr11-47359033-G-A.
Identifiers: ClinVar variation 925916 (VCV000925916.14), dbSNP rs542181308, ClinGen allele CA078774.